The following is an entry in ClinVar:

ClinVar aggregate classification (germline): Likely benign. Review status: criteria provided, multiple submitters, no conflicts (2 of 4 stars). 2 submissions from 2 submitters: Likely benign (2). Last evaluated 2026-02-01.

Conditions:
IFT140-related disorder. Also called: IFT140-related condition.
Saldino-Mainzer syndrome (SRTD9). Also called: CONORENAL SYNDROME; short-rib thoracic dysplasia 9 with or without polydactyly; Renal dysplasia, retinal pigmentary dystrophy, cerebellar ataxia and skeletal dysplasia; SHORT-RIB THORACIC DYSPLASIA 9 WITHOUT POLYDACTYLY. Identifiers: Orphanet 140969, MedGen C1849437, MONDO:0009964, OMIM 266920.

Allele frequency attached by ClinVar (database versions not stated): gnomAD exomes 0.00001 and 0.00002; gnomAD 0.00007 and 0.00008; TOPMed 0.00007.
gnomAD v4.1: 23 of 1,603,620 alleles (0.0014%); highest among the groups gnomAD compares: African/African-American, 0.023%; no homozygotes.

Submissions (2):

Labcorp Genetics (formerly Invitae), Labcorp
Classification: Likely benign for Saldino-Mainzer syndrome. Last evaluated: 2026-02-01. Review status: criteria provided, single submitter. Criteria: Invitae Variant Classification Sherloc (09022015). Collection method: clinical testing. Allele origin: germline.

PreventionGenetics, part of Exact Sciences
Classification: Likely benign for IFT140-related condition. Last evaluated: 2025-02-03. Review status: criteria provided, single submitter. Criteria: ACMG Guidelines, 2015. Collection method: clinical testing. Allele origin: germline.
Comment: This variant is classified as likely benign based on ACMG/AMP sequence variant interpretation guidelines (Richards et al. 2015 PMID: 25741868, with internal and published modifications).

NM_014714.4(IFT140):c.3466C>T (p.Leu1156=)

Gene: IFT140 (intraflagellar transport 140; minus strand). Cytogenetic location: 16p13.3.
Variant type: single nucleotide variant.
Coding change: c.3466C>T on transcript NM_014714.4 (MANE Select); coding-DNA position 3466, C replaced by T.
Protein change: p.Leu1156=; no amino-acid change (leucine 1156 retained).
Molecular consequence: synonymous variant.
Genome position (GRCh38, 1-based): chr16:1,520,796, G>A on the plus strand (C>T on the coding strand, the complement: IFT140 is on the minus strand). VCF-style: chr16-1520796-G-A. GRCh37 (hg19) VCF-style: chr16-1570797-G-A.
Other names: c.3466C>T (NM_014714.3).
Identifiers: ClinVar variation 1152611 (VCV001152611.10), dbSNP rs28718802, ClinGen allele CA276676011.